The following is an entry in ClinVar:

ClinVar aggregate classification (germline): Uncertain significance (1 of 4 stars; one submission).

Allele frequency attached by ClinVar (database versions not stated): gnomAD exomes 0.00004 and 0.00003; gnomAD 0.00003; ExAC 0.00010; TOPMed 0.00002.
gnomAD v4.1: 43 of 1,600,848 alleles (0.0027%); highest among the groups gnomAD compares: Middle Eastern, 0.28%; no homozygotes.

Submission:

Labcorp Genetics (formerly Invitae), Labcorp
Classification: Uncertain significance. Last evaluated: 2025-07-13. Review status: criteria provided, single submitter. Criteria: Invitae Variant Classification Sherloc (09022015). Collection method: clinical testing. Allele origin: germline.
Comment: This sequence change replaces valine, which is neutral and non-polar, with methionine, which is neutral and non-polar, at codon 327 of the GNB3 protein (p.Val327Met). The frequency data for this variant in the population databases is considered unreliable, as metrics indicate poor data quality at this position in the gnomAD database. This variant has not been reported in the literature in individuals affected with GNB3-related conditions. ClinVar contains an entry for this variant (Variation ID: 846927). Invitae Evidence Modeling of protein sequence and biophysical properties (such as structural, functional, and spatial information, amino acid conservation, physicochemical variation, residue mobility, and thermodynamic stability) indicates that this missense variant is not expected to disrupt GNB3 protein function with a negative predictive value of 80%. In summary, the available evidence is currently insufficient to determine the role of this variant in disease. Therefore, it has been classified as a Variant of Uncertain Significance.

NM_002075.4(GNB3):c.979G>A (p.Val327Met)

Genes: CDCA3 (cell division cycle associated 3; minus strand), GNB3 (G protein subunit beta 3; plus strand). Cytogenetic location: 12p13.31.
Variant type: single nucleotide variant.
Coding change: c.979G>A on transcript NM_002075.4 (MANE Select); coding-DNA position 979, G replaced by A.
Protein change: p.Val327Met; replaces valine 327 with methionine.
Molecular consequence: missense variant. On other transcripts: synonymous variant (1).
Genome position (GRCh38, 1-based): chr12:6,846,854, G>A. VCF-style: chr12-6846854-G-A. GRCh37 (hg19) VCF-style: chr12-6956018-G-A.
Other names: c.976G>A, p.Val326Met (NM_001297571.2); c.594C>T, p.His198= (NM_001297603.3); short protein forms V326M, V327M.
Identifiers: ClinVar variation 846927 (VCV000846927.8), dbSNP rs782372367, ClinGen allele CA6417721.
Genomic context (GRCh38, chr12:6,846,854, plus strand): 5'-ATCCTCTCTGGCCACGATAACAGGGTGAGCTGCCTGGGAGTCACAGCTGACGGGATGGCT[G>A]TGGCCACAGGTTCCTGGGACAGCTTCCTCAAAATCTGGAACTGAGGAGGCTGGAGAAAGG-3'
Protein context (NP_002066.1, residues 317-337): CLGVTADGMA[Val327Met]ATGSWDSFLK